The following is an entry in ClinVar:

ClinVar aggregate classification (germline): Uncertain significance. Review status: criteria provided, multiple submitters, no conflicts (2 of 4 stars). 2 submissions from 2 submitters: Uncertain significance (2). Last evaluated 2025-10-22.

Conditions:
Neuronal ceroid lipofuscinosis. Also called: Neuronal Ceroid Lipofuscinoses. Identifiers: Orphanet 216, Orphanet 79263, MedGen C0027877, MONDO:0016295. Disease mechanism: loss of function.

Allele frequency attached by ClinVar (database versions not stated): TOPMed 0.00001.

Submissions (2):

Labcorp Genetics (formerly Invitae), Labcorp
Classification: Uncertain significance for Neuronal ceroid lipofuscinosis. Last evaluated: 2025-10-22. Review status: criteria provided, single submitter. Criteria: Invitae Variant Classification Sherloc (09022015). Collection method: clinical testing. Allele origin: germline.
Comment: This sequence change replaces threonine, which is neutral and polar, with serine, which is neutral and polar, at codon 162 of the CLN8 protein (p.Thr162Ser). This variant is not present in population databases (gnomAD no frequency). This variant has not been reported in the literature in individuals affected with CLN8-related conditions. ClinVar contains an entry for this variant (Variation ID: 855424). Invitae Evidence Modeling of protein sequence and biophysical properties (such as structural, functional, and spatial information, amino acid conservation, physicochemical variation, residue mobility, and thermodynamic stability) indicates that this missense variant is not expected to disrupt CLN8 protein function with a negative predictive value of 95%. In summary, the available evidence is currently insufficient to determine the role of this variant in disease. Therefore, it has been classified as a Variant of Uncertain Significance.

GeneDx
Classification: Uncertain significance. Last evaluated: 2024-11-06. Review status: criteria provided, single submitter. Criteria: GeneDx Variant Classification Process June 2021. Collection method: clinical testing. Allele origin: germline. Affected: yes.
Comment: Not observed at significant frequency in large population cohorts (gnomAD); In silico analysis indicates that this missense variant does not alter protein structure/function; Has not been previously published as pathogenic or benign to our knowledge

NM_018941.4(CLN8):c.485C>G (p.Thr162Ser)

Gene: CLN8 (CLN8 transmembrane ER and ERGIC protein; plus strand). Cytogenetic location: 8p23.3.
Variant type: single nucleotide variant.
Coding change: c.485C>G on transcript NM_018941.4 (MANE Select); coding-DNA position 485, C replaced by G.
Protein change: p.Thr162Ser; replaces threonine 162 with serine.
Molecular consequence: missense variant.
Genome position (GRCh38, 1-based): chr8:1,771,539, C>G. VCF-style: chr8-1771539-C-G. GRCh37 (hg19) VCF-style: chr8-1719705-C-G.
Other names: short protein forms T162S.
Identifiers: ClinVar variation 855424 (VCV000855424.8), dbSNP rs1554449289, ClinGen allele CA369953663.